The following is an entry in ClinVar:

NM_004565.3(PEX14):c.425G>A (p.Arg142Lys)

Gene: PEX14 (peroxisomal biogenesis factor 14; plus strand). Cytogenetic location: 1p36.22.
Variant type: single nucleotide variant.
Coding change: c.425G>A on transcript NM_004565.3 (MANE Select); coding-DNA position 425, G replaced by A.
Protein change: p.Arg142Lys; replaces arginine 142 with lysine.
Molecular consequence: missense variant.
Genome position (GRCh38, 1-based): chr1:10,623,059, G>A. VCF-style: chr1-10623059-G-A. GRCh37 (hg19) VCF-style: chr1-10683116-G-A.
Other names: short protein forms R142K.
Identifiers: ClinVar variation 861009 (VCV000861009.10), dbSNP rs1641641457, ClinGen allele CA338333329.
Genomic context (GRCh38, chr1:10,623,059, plus strand): 5'-CCCTGTCCCGCTTCTTGCAGAAATACCTGCTCCCCCTCATCCTGGGCGGCCGAGAGGACA[G>A]AAAGCAGCTGGAGAGGATGGAGGCCGGTCTCTCTGAGCTGAGTGGCAGCGTGGCCCAGAC-3'
Protein context (NP_004556.1, residues 132-152): LPLILGGRED[Arg142Lys]KQLERMEAGL

ClinVar aggregate classification (germline): Uncertain significance. Review status: criteria provided, multiple submitters, no conflicts (2 of 4 stars). 2 submissions from 2 submitters: Uncertain significance (2). Last evaluated 2022-08-11.

Conditions:
Inborn genetic diseases. Identifiers: MedGen C0950123, MeSH D030342.
Peroxisome biogenesis disorder, complementation group K (CGK). Identifiers: MedGen C1866257, MONDO:0800365.

Submissions (2):

Ambry Genetics
Classification: Uncertain significance for Inborn genetic diseases. Last evaluated: 2022-08-11. Review status: criteria provided, single submitter. Criteria: Ambry Variant Classification Scheme 2023. Collection method: clinical testing. Allele origin: germline.

Labcorp Genetics (formerly Invitae), Labcorp
Classification: Uncertain significance for Peroxisome biogenesis disorder, complementation group K. Last evaluated: 2020-03-07. Review status: criteria provided, single submitter. Criteria: Invitae Variant Classification Sherloc (09022015). Collection method: clinical testing. Allele origin: germline.
Comment: This sequence change replaces arginine with lysine at codon 142 of the PEX14 protein (p.Arg142Lys). The arginine residue is moderately conserved and there is a small physicochemical difference between arginine and lysine. This variant is not present in population databases (ExAC no frequency). This variant has not been reported in the literature in individuals with PEX14-related conditions. Algorithms developed to predict the effect of missense changes on protein structure and function (SIFT, PolyPhen-2, Align-GVGD) all suggest that this variant is likely to be tolerated, but these predictions have not been confirmed by published functional studies and their clinical significance is uncertain. In summary, the available evidence is currently insufficient to determine the role of this variant in disease. Therefore, it has been classified as a Variant of Uncertain Significance.